The following is an entry in ClinVar:

ClinVar aggregate classification (germline): Likely benign. Review status: criteria provided, multiple submitters, no conflicts (2 of 4 stars). 2 submissions from 2 submitters: Likely benign (2). Last evaluated 2019-10-17.

Conditions:
Leigh syndrome (NULS). Also called: Leigh's necrotizing encephalopathy; Leigh's disease; Leigh Syndrome (mtDNA deletion); Leigh Disease; Subacute necrotizing encephalopathy; Necrotizing encephalopathy infantile subacute of Leigh. Identifiers: Orphanet 506, MedGen C2931891, MONDO:0009723, OMIM 256000.

Submissions (2):

Wong Mito Lab, Molecular and Human Genetics, Baylor College of Medicine
Classification: Likely benign for Leigh syndrome. Last evaluated: 2019-10-17. Review status: criteria provided, single submitter. Criteria: Modified ACMG Guidelines (Unpublished). Collection method: clinical testing. Allele origin: germline.
Comment: The NC_012920.1:m.3340C>T (YP_003024026.1:p.Pro12Ser) variant in MTND1 gene is interpretated to be a Likely Benign variant based on the modified ACMG guidelines (unpublished). This variant meets the following evidence codes: BP4, BP5

Breakthrough Genomics
Classification: Likely benign. Review status: criteria provided, single submitter. Criteria: ACMG Guidelines, 2015. Collection method: not provided. Allele origin: germline. Inheritance: Unknown mechanism. Affected: yes.

Literature cited by the submitters: PubMed 15465027 (cited by Wong Mito Lab, Molecular and Human Genetics, Baylor College of Medicine).

NC_012920.1(MT-ND1):m.3340C>T

Gene: MT-ND1 (mitochondrially encoded NADH dehydrogenase 1; plus strand).
Variant type: single nucleotide variant.
Genome position: chrM-3340-C-T.
Identifiers: ClinVar variation 692339 (VCV000692339.2), dbSNP rs1603218910, ClinGen allele CA414772573.